The following is an entry in ClinVar:

ClinVar aggregate classification (germline): Uncertain significance (1 of 4 stars; one submission).

Conditions:
Nemaline myopathy 6 (NEM6). Also called: Nemaline myopathy 6, autosomal dominant. Identifiers: Orphanet 171439, MedGen C1836472, MONDO:0012237, OMIM 609273.

Submission:

Labcorp Genetics (formerly Invitae), Labcorp
Classification: Uncertain significance for Nemaline myopathy 6. Last evaluated: 2024-02-25. Review status: criteria provided, single submitter. Criteria: Invitae Variant Classification Sherloc (09022015). Collection method: clinical testing. Allele origin: germline.
Comment: This sequence change replaces threonine, which is neutral and polar, with proline, which is neutral and non-polar, at codon 7 of the KBTBD13 protein (p.Thr7Pro). This variant is not present in population databases (gnomAD no frequency). This variant has not been reported in the literature in individuals affected with KBTBD13-related conditions. An algorithm developed to predict the effect of missense changes on protein structure and function (PolyPhen-2) suggests that this variant is likely to be tolerated. In summary, the available evidence is currently insufficient to determine the role of this variant in disease. Therefore, it has been classified as a Variant of Uncertain Significance.

NM_001101362.3(KBTBD13):c.19A>C (p.Thr7Pro)

Gene: KBTBD13 (kelch repeat and BTB domain containing 13; plus strand). Cytogenetic location: 15q22.31.
Variant type: single nucleotide variant.
Coding change: c.19A>C on transcript NM_001101362.3 (MANE Select); coding-DNA position 19, A replaced by C.
Protein change: p.Thr7Pro; replaces threonine 7 with proline.
Molecular consequence: missense variant.
Genome position (GRCh38, 1-based): chr15:65,076,834, A>C. VCF-style: chr15-65076834-A-C. GRCh37 (hg19) VCF-style: chr15-65369172-A-C.
Other names: short protein forms T7P.
Identifiers: ClinVar variation 3643291 (VCV003643291.2).